The following is an entry in ClinVar:

NM_025137.4(SPG11):c.7145C>A (p.Ser2382Tyr)

Gene: SPG11 (SPG11 vesicle trafficking associated, spatacsin; minus strand). Cytogenetic location: 15q21.1.
Variant type: single nucleotide variant.
Coding change: c.7145C>A on transcript NM_025137.4 (MANE Select); coding-DNA position 7145, C replaced by A.
Protein change: p.Ser2382Tyr; replaces serine 2382 with tyrosine.
Molecular consequence: missense variant.
Genome position (GRCh38, 1-based): chr15:44,564,553, G>T on the plus strand (C>A on the coding strand, the complement: SPG11 is on the minus strand). VCF-style: chr15-44564553-G-T. GRCh37 (hg19) VCF-style: chr15-44856751-G-T.
Other names: c.6806C>A, p.Ser2269Tyr (NM_001160227.2); short protein forms S2382Y, S2269Y.
Identifiers: ClinVar variation 640829 (VCV000640829.8), dbSNP rs1595815245, ClinGen allele CA392212255.
Genomic context (GRCh38, chr15:44,564,553, plus strand): 5'-TCACCTCAAAGCAGAGGCAAGGAGCAATGTTTACAGTCAACTTTTAATACTTACTTTTTG[G>T]AAATCTCTTCAAATATACTGGACTTTAATAACCTTTGCTGCTTAAATTCTTCCAAGTAAT-3'
Protein context (NP_079413.3, residues 2372-2392): LLKSSIFEEI[Ser2382Tyr]KKYKQHQPTD

ClinVar aggregate classification (germline): Uncertain significance (1 of 4 stars; one submission).

Conditions:
Hereditary spastic paraplegia 11. Also called: SPASTIC PARAPLEGIA, AUTOSOMAL RECESSIVE, COMPLICATED, WITH THIN CORPUS CALLOSUM; SPASTIC PARAPLEGIA, AUTOSOMAL RECESSIVE, WITH MENTAL IMPAIRMENT AND THIN CORPUS CALLOSUM; Spastic Paraplegia 11; Nakamura Osame syndrome; Autosomal recessive hereditary spastic paraplegia, mental impairment, and thin corpus callosum; Spastic paraplegia, mental retardation and thin corpus callosum. Identifiers: Orphanet 2822, MedGen C1858479, MONDO:0011445, OMIM 604360.

Submission:

Labcorp Genetics (formerly Invitae), Labcorp
Classification: Uncertain significance for Hereditary spastic paraplegia 11. Last evaluated: 2018-10-08. Review status: criteria provided, single submitter. Criteria: Invitae Variant Classification Sherloc (09022015). Collection method: clinical testing. Allele origin: germline.
Comment: Algorithms developed to predict the effect of missense changes on protein structure and function are either unavailable or do not agree on the potential impact of this missense change (SIFT: "Tolerated"; PolyPhen-2: "Probably Damaging"; Align-GVGD: "Class C0"). In summary, the available evidence is currently insufficient to determine the role of this variant in disease. Therefore, it has been classified as a Variant of Uncertain Significance. This variant has not been reported in the literature in individuals with SPG11-related disease. This variant is not present in population databases (ExAC no frequency). This sequence change replaces serine with tyrosine at codon 2382 of the SPG11 protein (p.Ser2382Tyr). The serine residue is moderately conserved and there is a large physicochemical difference between serine and tyrosine.